The following is an entry in ClinVar:

ClinVar aggregate classification (germline): Uncertain significance (1 of 4 stars; one submission).

Conditions:
Sulfite oxidase deficiency due to molybdenum cofactor deficiency type A. Also called: Molybdenum Cofactor Deficiency A; Molybdenum cofactor deficiency, complementation group A. Identifiers: Orphanet 308386, Orphanet 833, MedGen C1854988, MONDO:0009643, OMIM 252150.

Allele frequency attached by ClinVar (database versions not stated): gnomAD 0.00001; gnomAD exomes 0.00001; ExAC 0.00002; TOPMed 0.00002.

Submission:

Labcorp Genetics (formerly Invitae), Labcorp
Classification: Uncertain significance for Sulfite oxidase deficiency due to molybdenum cofactor deficiency type A. Last evaluated: 2022-08-19. Review status: criteria provided, single submitter. Criteria: Invitae Variant Classification Sherloc (09022015). Collection method: clinical testing. Allele origin: germline.
Comment: This sequence change replaces arginine, which is basic and polar, with glutamine, which is neutral and polar, at codon 364 of the MOCS1 protein (p.Arg364Gln). This variant is present in population databases (rs774298259, gnomAD 0.003%). This variant has not been reported in the literature in individuals affected with MOCS1-related conditions. ClinVar contains an entry for this variant (Variation ID: 1439586). Algorithms developed to predict the effect of missense changes on protein structure and function are either unavailable or do not agree on the potential impact of this missense change (SIFT: "Not Available"; PolyPhen-2: "Benign"; Align-GVGD: "Not Available"). In summary, the available evidence is currently insufficient to determine the role of this variant in disease. Therefore, it has been classified as a Variant of Uncertain Significance.

NM_001358530.2(MOCS1):c.1091G>A (p.Arg364Gln)

Gene: MOCS1 (molybdenum cofactor synthesis 1; minus strand). Cytogenetic location: 6p21.2.
Variant type: single nucleotide variant.
Coding change: c.1091G>A on transcript NM_001358530.2 (MANE Select); coding-DNA position 1091, G replaced by A.
Protein change: p.Arg364Gln; replaces arginine 364 with glutamine.
Molecular consequence: missense variant. On other transcripts: non-coding transcript variant (1).
Genome position (GRCh38, 1-based): chr6:39,909,846, C>T on the plus strand (G>A on the coding strand, the complement: MOCS1 is on the minus strand). VCF-style: chr6-39909846-C-T. GRCh37 (hg19) VCF-style: chr6-39877590-C-T.
Other names: c.1091G>A, p.Arg364Gln (NM_001075098.4, NM_001358529.2, NM_005943.6); c.830G>A, p.Arg277Gln (NM_001358531.2, NM_001358533.2, NM_001358534.2); short protein forms R277Q, R364Q.
Identifiers: ClinVar variation 1439586 (VCV001439586.3), dbSNP rs774298259, ClinGen allele CA3796060.